The following is an entry in ClinVar:

NM_001844.5(COL2A1):c.1266+1G>T

Gene: COL2A1 (collagen type II alpha 1 chain; minus strand). Cytogenetic location: 12q13.11.
Variant type: single nucleotide variant.
Coding change: c.1266+1G>T on transcript NM_001844.5 (MANE Select); the canonical splice donor site of the intron after coding-DNA position 1266, G replaced by T.
Molecular consequence: splice donor variant.
Genome position (GRCh38, 1-based): chr12:47,987,268, C>A on the plus strand (G>T on the coding strand, the complement: COL2A1 is on the minus strand). VCF-style: chr12-47987268-C-A. GRCh37 (hg19) VCF-style: chr12-48381051-C-A.
Other names: c.1059+1G>T (NM_033150.3).
Identifiers: ClinVar variation 2687874 (VCV002687874.1), dbSNP rs2540152086, ClinGen allele CA384554122.

ClinVar aggregate classification (germline): Pathogenic (1 of 4 stars; one submission).

Conditions:
Kniest dysplasia. Identifiers: Orphanet 485, MedGen C0265279, MONDO:0007987, OMIM 156550.

Submission:

Clinical Genetics and Genomics, Karolinska University Hospital
Classification: Pathogenic for Kniest dysplasia. Last evaluated: 2024-01-18. Review status: criteria provided, single submitter. Criteria: ACMG Guidelines, 2015. Collection method: clinical testing. Allele origin: de novo. Inheritance: Autosomal dominant inheritance. Affected: yes.